The following is an entry in ClinVar:

ClinVar aggregate classification (germline): Pathogenic (1 of 4 stars; one submission).

Conditions:
Fanconi anemia (FA). Also called: Fanconi's anemia. Identifiers: Orphanet 84, MedGen C0015625, MeSH D005199, MONDO:0019391.

Submission:

Labcorp Genetics (formerly Invitae), Labcorp
Classification: Pathogenic for Fanconi anemia. Last evaluated: 2022-10-25. Review status: criteria provided, single submitter. Criteria: Invitae Variant Classification Sherloc (09022015). Collection method: clinical testing. Allele origin: germline.
Comment: This variant is present in population databases (no rsID available, gnomAD 0.003%). For these reasons, this variant has been classified as Pathogenic. ClinVar contains an entry for this variant (Variation ID: 860635). This variant has not been reported in the literature in individuals affected with FANCA-related conditions. This sequence change creates a premature translational stop signal (p.Val107Phefs*31) in the FANCA gene. It is expected to result in an absent or disrupted protein product. Loss-of-function variants in FANCA are known to be pathogenic (PMID: 19367192).

Literature cited by the submitters: PubMed 19367192.

NM_000135.4(FANCA):c.319del (p.Val107fs)

Gene: FANCA (FA complementation group A; minus strand). Cytogenetic location: 16q24.3.
Variant type: Deletion.
Coding change: c.319del on transcript NM_000135.4 (MANE Select); coding-DNA position 319, one base deleted (G; older notation c.319delG).
Protein change: p.Val107fs; shifts the reading frame from valine 107.
Molecular consequence: frameshift variant.
Genome position (GRCh38, 1-based): chr16:89,811,036, C deleted on the plus strand (G on the coding strand, the reverse complement: FANCA is on the minus strand); the first of 5 consecutive C bases (chr16:89,811,036-89,811,040); deleting any one gives the same sequence. VCF-style (leftmost placement, unchanged base first): chr16-89811035-AC-A. GRCh37 (hg19) VCF-style: chr16-89877443-AC-A.
Other names: c.319del, p.Val107fs (NM_001018112.3, NM_001286167.3, NM_001351830.2); short protein forms V107fs.
Identifiers: ClinVar variation 860635 (VCV000860635.7), dbSNP rs1411237340, ClinGen allele CA624454911.